The following is an entry in ClinVar:

NM_001164508.2(NEB):c.25266C>A (p.Tyr8422Ter)

Genes: NEB (nebulin; minus strand), RIF1 (replication timing regulatory factor 1; plus strand). Cytogenetic location: 2q23.3.
Variant type: single nucleotide variant.
Coding change: c.25266C>A on transcript NM_001164508.2 (MANE Select); coding-DNA position 25266, C replaced by A.
Protein change: p.Tyr8422Ter; replaces tyrosine 8422 with a stop codon.
Molecular consequence: nonsense.
Genome position (GRCh38, 1-based): chr2:151,490,403, G>T on the plus strand (C>A on the coding strand, the complement: NEB is on the minus strand). VCF-style: chr2-151490403-G-T. GRCh37 (hg19) VCF-style: chr2-152346917-G-T.
Other names: c.25371C>A (NM_001271208.1); c.25266C>A, p.Tyr8422Ter (NM_001164507.2); c.25371C>A, p.Tyr8457Ter (NM_001271208.2); c.19698C>A, p.Tyr6566Ter (NM_004543.5); short protein forms Y8457*, Y6566*, Y8422*.
Identifiers: ClinVar variation 1459030 (VCV001459030.7), dbSNP rs1433028646, ClinGen allele CA348770960.
Genomic context (GRCh38, chr2:151,490,403, plus strand): 5'-CTGCCAAAATCAGCGCCAGGCACTTGTACCTGTTGAGACTGCAAAGACACCCCCGTCGCT[G>T]TAAGTCGAAAGGTGGTGGTCTGGTGCTTCTGAATGCTCAGACTTCTCCTCACCCCCACTG-3'

ClinVar aggregate classification (germline): Pathogenic/Likely pathogenic. Review status: criteria provided, multiple submitters, no conflicts (2 of 4 stars). 2 submissions from 2 submitters: Pathogenic (1); Likely pathogenic (1). Last evaluated 2023-05-30.

Conditions:
Arthrogryposis multiplex congenita 6. Identifiers: MedGen C5543431, MONDO:0030281, OMIM 619334.
Nemaline myopathy 2 (NEM2). Also called: Nemaline myopathy 2, autosomal recessive. Identifiers: MedGen C1850569, MONDO:0009725, OMIM 256030.

Allele frequency attached by ClinVar (database versions not stated): gnomAD exomes below 0.00001; gnomAD 0.00001.
gnomAD v4.1: 4 of 1,595,000 alleles (0.00025%); highest among the groups gnomAD compares: Admixed American, 0.0052%; no homozygotes.

Submissions (2):

Baylor Genetics
Classification: Likely pathogenic for Arthrogryposis multiplex congenita 6. Last evaluated: 2023-05-30. Review status: criteria provided, single submitter. Criteria: ACMG Guidelines, 2015. Collection method: clinical testing. Allele origin: unknown.

Labcorp Genetics (formerly Invitae), Labcorp
Classification: Pathogenic for Nemaline myopathy 2. Last evaluated: 2020-12-04. Review status: criteria provided, single submitter. Criteria: Invitae Variant Classification Sherloc (09022015). Collection method: clinical testing. Allele origin: germline.
Comment: For these reasons, this variant has been classified as Pathogenic. This variant has not been reported in the literature in individuals with NEB-related conditions. This variant is not present in population databases (ExAC no frequency). This sequence change creates a premature translational stop signal (p.Tyr8457*) in the NEB gene. It is expected to result in an absent or disrupted protein product. Loss-of-function variants in NEB are known to be pathogenic (PMID: 25205138).

Literature cited by the submitters: PubMed 25205138 (cited by Labcorp Genetics (formerly Invitae), Labcorp).